The following is an entry in ClinVar:

NM_004329.3(BMPR1A):c.771A>C (p.Lys257Asn)

Gene: BMPR1A (bone morphogenetic protein receptor type 1A; plus strand). Cytogenetic location: 10q23.2.
Variant type: single nucleotide variant.
Coding change: c.771A>C on transcript NM_004329.3 (MANE Select); coding-DNA position 771, A replaced by C.
Protein change: p.Lys257Asn; replaces lysine 257 with asparagine.
Molecular consequence: missense variant. On other transcripts: non-coding transcript variant (3).
Genome position (GRCh38, 1-based): chr10:86,917,229, A>C. VCF-style: chr10-86917229-A-C. GRCh37 (hg19) VCF-style: chr10-88676986-A-C.
Other names: c.771A>C, p.Lys257Asn (NM_001406578.1, NM_001406579.1, NM_001406580.1 and 19 more transcripts); c.765A>C, p.Lys255Asn (NM_001406583.1); c.687A>C, p.Lys229Asn (NM_001406584.1, NM_001406585.1, NM_001406586.1 and 2 more transcripts); c.846A>C, p.Lys282Asn (NM_001406559.1); c.819A>C, p.Lys273Asn (NM_001406560.1); c.429A>C, p.Lys143Asn (NM_001406589.1); short protein forms K255N, K273N, K257N, K143N, K229N, K282N.
Identifiers: ClinVar variation 5033015 (VCV005033015.1).
Genomic context (GRCh38, chr10:86,917,229, plus strand): 5'-CCGGCAAGTTGGTAAAGGCCGATATGGAGAAGTATGGATGGGCAAATGGCGTGGCGAAAA[A>C]GTGGCGGTGAAAGTATTCTTTACCACTGAAGAAGCCAGCTGGTTTCGAGAAACAGAAATC-3'
Protein context (NP_004320.2, residues 247-267): EVWMGKWRGE[Lys257Asn]VAVKVFFTTE

ClinVar aggregate classification (germline): Uncertain significance (1 of 4 stars; one submission).

Conditions:
Hereditary cancer-predisposing syndrome. Also called: Neoplastic Syndromes, Hereditary; Tumor predisposition; Hereditary neoplastic syndrome; Hereditary Cancer Syndrome. Identifiers: Orphanet 140162, MedGen C0027672, MeSH D009386, MONDO:0015356.

Submission:

Ambry Genetics
Classification: Uncertain significance for Hereditary cancer-predisposing syndrome. Last evaluated: 2026-07-07. Review status: criteria provided, single submitter. Criteria: Ambry Variant Classification Scheme 2023. Collection method: clinical testing. Allele origin: germline.
Comment: The p.K257N variant (also known as c.771A>C), located in coding exon 7 of the BMPR1A gene, results from an A to C substitution at nucleotide position 771. The lysine at codon 257 is replaced by asparagine, an amino acid with similar properties. This amino acid position is conserved. In addition, this alteration is predicted to be tolerated by in silico analysis. Based on the available evidence, the clinical significance of this variant remains unclear.